The following is an entry in ClinVar:

ClinVar aggregate classification (germline): Uncertain significance. Review status: criteria provided, multiple submitters, no conflicts (2 of 4 stars). 2 submissions from 2 submitters: Uncertain significance (2). Last evaluated 2025-12-15.

Conditions:
Inborn genetic diseases. Identifiers: MedGen C0950123, MeSH D030342.

Allele frequency attached by ClinVar (database versions not stated): gnomAD exomes 0.00003 and 0.00010; gnomAD 0.00005 and 0.00006; TOPMed 0.00008; ExAC 0.00011.
gnomAD v4.1: 63 of 1,613,874 alleles (0.0039%); highest among the groups gnomAD compares: Non-Finnish European, 0.00076%; no homozygotes.

Submissions (2):

Labcorp Genetics (formerly Invitae), Labcorp
Classification: Uncertain significance. Last evaluated: 2025-12-15. Review status: criteria provided, single submitter. Criteria: Invitae Variant Classification Sherloc (09022015). Collection method: clinical testing. Allele origin: germline.
Comment: This sequence change replaces lysine, which is basic and polar, with asparagine, which is neutral and polar, at codon 2401 of the MYO18B protein (p.Lys2401Asn). This variant is present in population databases (rs772112773, gnomAD 0.2%). This variant has not been reported in the literature in individuals affected with MYO18B-related conditions. ClinVar contains an entry for this variant (Variation ID: 1502039). An algorithm developed to predict the effect of missense changes on protein structure and function (PolyPhen-2) suggests that this variant is likely to be tolerated. Algorithms developed to predict the effect of sequence changes on RNA splicing suggest that this variant may create or strengthen a splice site. In summary, the available evidence is currently insufficient to determine the role of this variant in disease. Therefore, it has been classified as a Variant of Uncertain Significance.

Ambry Genetics
Classification: Uncertain significance for Inborn genetic diseases. Last evaluated: 2024-10-04. Review status: criteria provided, single submitter. Criteria: Ambry Variant Classification Scheme 2023. Collection method: clinical testing. Allele origin: germline.

NM_032608.7(MYO18B):c.7203G>C (p.Lys2401Asn)

Gene: MYO18B (myosin XVIIIB; plus strand). Cytogenetic location: 22q12.1.
Variant type: single nucleotide variant.
Coding change: c.7203G>C on transcript NM_032608.7 (MANE Select); coding-DNA position 7203, G replaced by C.
Protein change: p.Lys2401Asn; replaces lysine 2401 with asparagine.
Molecular consequence: missense variant.
Genome position (GRCh38, 1-based): chr22:26,027,177, G>C. VCF-style: chr22-26027177-G-C. GRCh37 (hg19) VCF-style: chr22-26423143-G-C.
Other names: c.7206G>C, p.Lys2402Asn (NM_001318245.2); c.7203G>C (NM_032608.5); short protein forms K2401N, K2402N.
Identifiers: ClinVar variation 1502039 (VCV001502039.9), dbSNP rs772112773, ClinGen allele CA10161723.